The following is an entry in ClinVar:

ClinVar aggregate classification (germline): Benign/Likely benign. Review status: criteria provided, multiple submitters, no conflicts (2 of 4 stars). 5 submissions from 5 submitters: Benign (1); Likely benign (4). Last evaluated 2026-06-01.

Conditions:
Hearing loss, autosomal dominant 78. Also called: DEAFNESS, AUTOSOMAL DOMINANT 78. Identifiers: MedGen C5436768, MONDO:0033665, OMIM 619081.
Delpire-McNeill syndrome. Also called: SLC12A2-related autosomal dominant infantile-developmental delay-intellectual disability-sensorineural deafness syndrome. Identifiers: Orphanet 633024, MedGen C5436771, MONDO:0033667, OMIM 619083.
Kilquist syndrome (KILQS). Also called: SLC12A2-related autosomal recessive neonatal-developmental delay-intellectual disability-feeding difficulty-sensorineural deafness syndrome. Identifiers: Orphanet 633021, MedGen C5436756, MONDO:0033664, OMIM 619080.
SLC12A2-related disorder. Also called: SLC12A2-related disorders; SLC12A2-related condition.

Allele frequency attached by ClinVar (database versions not stated): 1000 Genomes Project 0.00040; 1000 Genomes Project 30x 0.00047; ExAC 0.00093; gnomAD exomes 0.00098 and 0.00213; TOPMed 0.00133; gnomAD 0.00143 and 0.00153; ESP Exome Variant Server 0.00161.
gnomAD v4.1: 3,270 of 1,613,868 alleles (0.2%); highest among the groups gnomAD compares: Non-Finnish European, 0.27%; 5 homozygotes.

Submissions (5):

CeGaT Center for Human Genetics Tuebingen
Classification: Likely benign. Last evaluated: 2026-06-01. Review status: criteria provided, single submitter. Criteria: CeGaT Center For Human Genetics Tuebingen Variant Classification Criteria Version 2. Collection method: clinical testing. Allele origin: germline. Affected: yes. Observed: 7 variant alleles.
Comment: SLC12A2: BP4, BP7

Labcorp Genetics (formerly Invitae), Labcorp
Classification: Benign. Last evaluated: 2026-01-11. Review status: criteria provided, single submitter. Criteria: Invitae Variant Classification Sherloc (09022015). Collection method: clinical testing. Allele origin: germline.

PreventionGenetics, part of Exact Sciences
Classification: Likely benign for SLC12A2-related condition. Last evaluated: 2024-12-20. Review status: criteria provided, single submitter. Criteria: ACMG Guidelines, 2015. Collection method: clinical testing. Allele origin: germline.
Comment: This variant is classified as likely benign based on ACMG/AMP sequence variant interpretation guidelines (Richards et al. 2015 PMID: 25741868, with internal and published modifications).

Blueprint Genetics
Classification: Likely benign. Last evaluated: 2024-08-19. Review status: criteria provided, single submitter. Criteria: ACMG Guidelines, 2015. Collection method: clinical testing. Allele origin: germline.

Fulgent Genetics
Classification: Likely benign for Kilquist syndrome; Hearing loss, autosomal dominant 78; Delpire-McNeill syndrome. Last evaluated: 2021-07-29. Review status: criteria provided, single submitter. Criteria: ACMG Guidelines, 2015. Collection method: clinical testing. Allele origin: unknown.

NM_001046.3(SLC12A2):c.2322A>C (p.Ser774=)

Gene: SLC12A2 (solute carrier family 12 member 2; plus strand). Cytogenetic location: 5q23.3.
Variant type: single nucleotide variant.
Coding change: c.2322A>C on transcript NM_001046.3 (MANE Select); coding-DNA position 2322, A replaced by C.
Protein change: p.Ser774=; no amino-acid change (serine 774 retained).
Molecular consequence: synonymous variant. On other transcripts: non-coding transcript variant (1).
Genome position (GRCh38, 1-based): chr5:128,152,764, A>C. VCF-style: chr5-128152764-A-C. GRCh37 (hg19) VCF-style: chr5-127488456-A-C.
Other names: c.2322A>C, p.Ser774= (NM_001256461.2); c.2322A>C (NM_001046.2).
Identifiers: ClinVar variation 1533201 (VCV001533201.38), dbSNP rs115357531, ClinGen allele CA3393331.